The following is an entry in ClinVar:

NM_000548.5(TSC2):c.416G>T (p.Arg139Met)

Gene: TSC2 (TSC complex subunit 2; plus strand). Cytogenetic location: 16p13.3.
Variant type: single nucleotide variant.
Coding change: c.416G>T on transcript NM_000548.5 (MANE Select); coding-DNA position 416, G replaced by T.
Protein change: p.Arg139Met; replaces arginine 139 with methionine.
Molecular consequence: missense variant. On other transcripts: intron variant (1).
Genome position (GRCh38, 1-based): chr16:2,054,375, G>T. VCF-style: chr16-2054375-G-T. GRCh37 (hg19) VCF-style: chr16-2104376-G-T.
Other names: c.416G>T, p.Arg139Met (NM_001077183.3, NM_001114382.3, NM_001363528.2 and 8 more transcripts); c.449G>T, p.Arg150Met (NM_001318832.2); c.506G>T, p.Arg169Met (NM_001406667.1, NM_001406668.1); c.305G>T, p.Arg102Met (NM_001318827.2, NM_001406670.1, NM_001406678.1); c.269G>T, p.Arg90Met (NM_001318829.2, NM_001406675.1, NM_001406676.1 and 1 more transcripts); c.359G>T, p.Arg120Met (NM_001406677.1); c.-401G>T (NM_001406680.1, NM_001406683.1, NM_001406687.1); c.-30G>T (NM_001406681.1); and 6 more; short protein forms R150M, R102M, R120M, R139M, R169M, R90M.
Identifiers: ClinVar variation 1963029 (VCV001963029.5), dbSNP rs2085508015, ClinGen allele CA394307130.

ClinVar aggregate classification (germline): Uncertain significance (1 of 4 stars; one submission).

Conditions:
Tuberous sclerosis 2 (TSC2). Identifiers: Orphanet 805, MedGen C1860707, MONDO:0013199, OMIM 613254.

Allele frequency attached by ClinVar (database versions not stated): TOPMed below 0.00001.

Submission:

Labcorp Genetics (formerly Invitae), Labcorp
Classification: Uncertain significance for Tuberous sclerosis 2. Last evaluated: 2022-10-04. Review status: criteria provided, single submitter. Criteria: Invitae Variant Classification Sherloc (09022015). Collection method: clinical testing. Allele origin: germline.
Comment: In summary, the available evidence is currently insufficient to determine the role of this variant in disease. Therefore, it has been classified as a Variant of Uncertain Significance. This sequence change replaces arginine, which is basic and polar, with methionine, which is neutral and non-polar, at codon 139 of the TSC2 protein (p.Arg139Met). This variant is not present in population databases (gnomAD no frequency). This variant has not been reported in the literature in individuals affected with TSC2-related conditions. Advanced modeling of protein sequence and biophysical properties (such as structural, functional, and spatial information, amino acid conservation, physicochemical variation, residue mobility, and thermodynamic stability) performed at Invitae indicates that this missense variant is not expected to disrupt TSC2 protein function.